The following is an entry in ClinVar:

NM_018344.6(SLC29A3):c.859G>A (p.Ala287Thr)

Gene: SLC29A3 (solute carrier family 29 member 3; plus strand). Cytogenetic location: 10q22.1.
Variant type: single nucleotide variant.
Coding change: c.859G>A on transcript NM_018344.6 (MANE Select); coding-DNA position 859, G replaced by A.
Protein change: p.Ala287Thr; replaces alanine 287 with threonine.
Molecular consequence: missense variant. On other transcripts: 3 prime UTR variant (1), non-coding transcript variant (2).
Genome position (GRCh38, 1-based): chr10:71,362,039, G>A. VCF-style: chr10-71362039-G-A. GRCh37 (hg19) VCF-style: chr10-73121796-G-A.
Other names: c.*88G>A (NM_001174098.2); c.625G>A, p.Ala209Thr (NM_001363518.2); c.859G>A (NM_018344.5); short protein forms A287T, A209T.
Identifiers: ClinVar variation 1902244 (VCV001902244.5), dbSNP rs1847069311, ClinGen allele CA377114262.

ClinVar aggregate classification (germline): Uncertain significance. Review status: criteria provided, multiple submitters, no conflicts (2 of 4 stars). 2 submissions from 2 submitters: Uncertain significance (2). Last evaluated 2025-04-24.

Conditions:
Inborn genetic diseases. Identifiers: MedGen C0950123, MeSH D030342.
H syndrome. Also called: HISTIOCYTOSIS AND LYMPHADENOPATHY WITH OR WITHOUT CUTANEOUS, CARDIAC, AND/OR ENDOCRINE FEATURES, JOINT CONTRACTURES, AND/OR DEAFNESS; HYPERPIGMENTATION, CUTANEOUS, WITH HYPERTRICHOSIS, HEPATOSPLENOMEGALY, HEART ANOMALIES, AND HYPOGONADISM WITH OR WITHOUT HEARING LOSS; PIGMENTED HYPERTRICHOSIS WITH INSULIN-DEPENDENT DIABETES MELLITUS; ROSAI-DORFMAN DISEASE, FAMILIAL; SINUS HISTIOCYTOSIS AND MASSIVE LYMPHADENOPATHY; Hyperpigmentation, Cutaneous, with Hypertrichosis, Hepatosplenomegaly, Heart Anomalies, Hearing Loss, and Hypogonadism. Identifiers: Orphanet 168569, MedGen C1864445, MONDO:0011273, OMIM 602782.

Allele frequency attached by ClinVar (database versions not stated): gnomAD exomes below 0.00001.

Submissions (2):

Ambry Genetics
Classification: Uncertain significance for Inborn genetic diseases. Last evaluated: 2025-04-24. Review status: criteria provided, single submitter. Criteria: Ambry Variant Classification Scheme 2023. Collection method: clinical testing. Allele origin: germline.

Labcorp Genetics (formerly Invitae), Labcorp
Classification: Uncertain significance for H syndrome. Last evaluated: 2024-10-29. Review status: criteria provided, single submitter. Criteria: Invitae Variant Classification Sherloc (09022015). Collection method: clinical testing. Allele origin: germline.
Comment: This sequence change replaces alanine, which is neutral and non-polar, with threonine, which is neutral and polar, at codon 287 of the SLC29A3 protein (p.Ala287Thr). This variant is not present in population databases (gnomAD no frequency). This variant has not been reported in the literature in individuals affected with SLC29A3-related conditions. ClinVar contains an entry for this variant (Variation ID: 1902244). Invitae Evidence Modeling of protein sequence and biophysical properties (such as structural, functional, and spatial information, amino acid conservation, physicochemical variation, residue mobility, and thermodynamic stability) indicates that this missense variant is not expected to disrupt SLC29A3 protein function with a negative predictive value of 95%. In summary, the available evidence is currently insufficient to determine the role of this variant in disease. Therefore, it has been classified as a Variant of Uncertain Significance.